The following is an entry in ClinVar:

ClinVar aggregate classification (germline): Uncertain significance (1 of 4 stars; one submission).

Submission:

Labcorp Genetics (formerly Invitae), Labcorp
Classification: Uncertain significance. Last evaluated: 2021-01-29. Review status: criteria provided, single submitter. Criteria: Invitae Variant Classification Sherloc (09022015). Collection method: clinical testing. Allele origin: germline.
Comment: In summary, the available evidence is currently insufficient to determine the role of this variant in disease. Therefore, it has been classified as a Variant of Uncertain Significance. Algorithms developed to predict the effect of missense changes on protein structure and function are either unavailable or do not agree on the potential impact of this missense change (SIFT: "Not Available"; PolyPhen-2: "Probably Damaging"; Align-GVGD: "Not Available"). This variant has not been reported in the literature in individuals with LRP2-related conditions. The frequency data for this variant in the population databases is not available, as this variant may be reported as separate entries in the ExAC database. This sequence change replaces cysteine with leucine at codon 663 of the LRP2 protein (p.Cys663Leu). The cysteine residue is highly conserved and there is a large physicochemical difference between cysteine and leucine.

NM_004525.3(LRP2):c.1988_1989delinsTG (p.Cys663Leu)

Gene: LRP2 (LDL receptor related protein 2; minus strand). Cytogenetic location: 2q31.1.
Variant type: Indel.
Coding change: c.1988_1989delinsTG on transcript NM_004525.3 (MANE Select); coding-DNA positions 1988 to 1989, GT replaced by TG.
Protein change: p.Cys663Leu; replaces cysteine 663 with leucine.
Molecular consequence: missense variant.
Genome position (GRCh38, 1-based): chr2:169,273,054-169,273,055, AC replaced by CA on the plus strand (GT replaced by TG on the coding strand, the reverse complement: LRP2 is on the minus strand). VCF-style: chr2-169273054-AC-CA. GRCh37 (hg19) VCF-style: chr2-170129564-AC-CA.
Other names: short protein forms C663L.
Identifiers: ClinVar variation 1475626 (VCV001475626.6), dbSNP rs2105440775, ClinGen allele CA2573133662.